The following is an entry in ClinVar:

ClinVar aggregate classification (germline): Conflicting classifications of pathogenicity. Review status: criteria provided, conflicting classifications (1 of 4 stars). 4 submissions from 4 submitters: Pathogenic (1); Likely pathogenic (1); Uncertain significance (1). 1 of the submissions does not count toward it. Last evaluated 2025-08-20.

Conditions:
Alport syndrome. Also called: Hemorrhagic familial nephritis; Hemorrhagic hereditary nephritis; Congenital hereditary hematuria. Identifiers: Orphanet 63, MedGen C1567741, MONDO:0018965.
Autosomal dominant Alport syndrome (ATS3A). Also called: Alport syndrome dominant type; Renal failure and sensorineural hearing loss; ALPORT SYNDROME 3A, AUTOSOMAL DOMINANT. Identifiers: Orphanet 63, Orphanet 88918, MedGen C5882663, MONDO:0007086, OMIM 104200.

Allele frequency attached by ClinVar (database versions not stated): gnomAD exomes below 0.00001; gnomAD 0.00001; 1000 Genomes Project 30x 0.00016.

Submissions (4):

Natera, Inc.
Classification: Likely pathogenic for Alport syndrome. Last evaluated: 2025-08-20. Review status: criteria provided, single submitter. Criteria: Natera Variant Classification Schema (03/2026). Collection method: clinical testing. Allele origin: germline.
Comment: The c.190G>C variant in COL4A3 is a missense variant predicted to cause substitution of glycine to arginine at amino acid 64. This variant is rare in the general population with a frequency below the threshold expected for the associated phenotype(s). This variant is located in a functionally critical region of the protein. Computational prediction algorithms indicate this variant is likely to affect gene or protein function. Given the available evidence, this variant is classified as Likely Pathogenic.

Labcorp Genetics (formerly Invitae), Labcorp
Classification: Uncertain significance. Last evaluated: 2022-05-03. Review status: criteria provided, single submitter. Criteria: Invitae Variant Classification Sherloc (09022015). Collection method: clinical testing. Allele origin: germline.
Comment: This sequence change replaces glycine, which is neutral and non-polar, with arginine, which is basic and polar, at codon 64 of the COL4A3 protein (p.Gly64Arg). This variant is present in population databases (no rsID available, gnomAD 0.003%). This variant has not been reported in the literature in individuals affected with COL4A3-related conditions. ClinVar contains an entry for this variant (Variation ID: 562462). Advanced modeling of protein sequence and biophysical properties (such as structural, functional, and spatial information, amino acid conservation, physicochemical variation, residue mobility, and thermodynamic stability) performed at Invitae indicates that this missense variant is expected to disrupt COL4A3 protein function. In summary, the available evidence is currently insufficient to determine the role of this variant in disease. Therefore, it has been classified as a Variant of Uncertain Significance.

Clinical Genetics Service, Universitary Hospital 12 de Octubre
Classification: Pathogenic for Autosomal dominant Alport syndrome. Review status: criteria provided, single submitter. Criteria: ACMG Guidelines, 2015. Collection method: clinical testing. Allele origin: germline. Affected: yes.

Gharavi Laboratory, Columbia University
Classification: Likely pathogenic. Last evaluated: 2018-09-16. Review status: no assertion criteria provided. Criteria: ACMG Guidelines, 2015. Collection method: research. Allele origin: germline. Affected: yes. Not counted in ClinVar's aggregate classification.

NM_000091.5(COL4A3):c.190G>C (p.Gly64Arg)

Genes: COL4A3 (collagen type IV alpha 3 chain; plus strand), MFF-DT (MFF divergent transcript; minus strand). Cytogenetic location: 2q36.3.
Variant type: single nucleotide variant.
Coding change: c.190G>C on transcript NM_000091.5 (MANE Select); coding-DNA position 190, G replaced by C.
Protein change: p.Gly64Arg; replaces glycine 64 with arginine.
Molecular consequence: missense variant.
Genome position (GRCh38, 1-based): chr2:227,240,188, G>C. VCF-style: chr2-227240188-G-C. GRCh37 (hg19) VCF-style: chr2-228104904-G-C.
Other names: c.190G>C (NM_000091.4); short protein forms G64R.
Identifiers: ClinVar variation 562462 (VCV000562462.10), dbSNP rs917643323, ClinGen allele CA350859402.
Genomic context (GRCh38, chr2:227,240,188, plus strand): 5'-TTTTGGTTTTAACAGGGGGAGAAGGGCTTTCCTGGACCCCCCGGTTCTCCTGGCCAGAAA[G>C]GATTCACAGGTCCTGAAGGCTTGCCTGGACCGCAGGGACCCAAGGTATGTCATCCTGCAA-3'
Protein context (NP_000082.2, residues 54-74): PGPPGSPGQK[Gly64Arg]FTGPEGLPGP